The following is an entry in ClinVar:

ClinVar aggregate classification (germline): Uncertain significance (1 of 4 stars; one submission).

Allele frequency attached by ClinVar (database versions not stated): gnomAD exomes 0.00002; gnomAD 0.00004; TOPMed 0.00005.
gnomAD v4.1: 32 of 1,613,038 alleles (0.002%); highest among the groups gnomAD compares: African/African-American, 0.012%; no homozygotes.

Submission:

Labcorp Genetics (formerly Invitae), Labcorp
Classification: Uncertain significance. Last evaluated: 2022-10-24. Review status: criteria provided, single submitter. Criteria: Invitae Variant Classification Sherloc (09022015). Collection method: clinical testing. Allele origin: germline.
Comment: This sequence change replaces arginine, which is basic and polar, with tryptophan, which is neutral and slightly polar, at codon 516 of the TONSL protein (p.Arg516Trp). This variant is present in population databases (no rsID available, gnomAD 0.005%). This variant has not been reported in the literature in individuals affected with TONSL-related conditions. Advanced modeling of protein sequence and biophysical properties (such as structural, functional, and spatial information, amino acid conservation, physicochemical variation, residue mobility, and thermodynamic stability) performed at Invitae indicates that this missense variant is expected to disrupt TONSL protein function. In summary, the available evidence is currently insufficient to determine the role of this variant in disease. Therefore, it has been classified as a Variant of Uncertain Significance.

NM_013432.5(TONSL):c.1546C>T (p.Arg516Trp)

Genes: TONSL (tonsoku like, DNA repair protein; minus strand), TONSL-AS1 (TONSL antisense RNA 1; plus strand). Cytogenetic location: 8q24.3.
Variant type: single nucleotide variant.
Coding change: c.1546C>T on transcript NM_013432.5 (MANE Select); coding-DNA position 1546, C replaced by T.
Protein change: p.Arg516Trp; replaces arginine 516 with tryptophan.
Molecular consequence: missense variant.
Genome position (GRCh38, 1-based): chr8:144,438,670, G>A on the plus strand (C>T on the coding strand, the complement: TONSL is on the minus strand). VCF-style: chr8-144438670-G-A. GRCh37 (hg19) VCF-style: chr8-145664053-G-A.
Other names: short protein forms R516W.
Identifiers: ClinVar variation 1917403 (VCV001917403.2), dbSNP rs921761938, ClinGen allele CA187672661.